The following is an entry in ClinVar:

ClinVar aggregate classification (germline): Uncertain significance (1 of 4 stars; one submission).

Allele frequency attached by ClinVar (database versions not stated): gnomAD exomes below 0.00001.
gnomAD v4.1: 6 of 1,613,232 alleles (0.00037%); highest among the groups gnomAD compares: Non-Finnish European, 0.00051%; no homozygotes.

Submission:

Labcorp Genetics (formerly Invitae), Labcorp
Classification: Uncertain significance. Last evaluated: 2022-06-26. Review status: criteria provided, single submitter. Criteria: Invitae Variant Classification Sherloc (09022015). Collection method: clinical testing. Allele origin: germline.
Comment: In summary, the available evidence is currently insufficient to determine the role of this variant in disease. Therefore, it has been classified as a Variant of Uncertain Significance. Algorithms developed to predict the effect of missense changes on protein structure and function (SIFT, PolyPhen-2, Align-GVGD) all suggest that this variant is likely to be tolerated. This variant has not been reported in the literature in individuals affected with OTULIN-related conditions. This variant is not present in population databases (gnomAD no frequency). This sequence change replaces isoleucine, which is neutral and non-polar, with threonine, which is neutral and polar, at codon 162 of the OTULIN protein (p.Ile162Thr).

NM_138348.6(OTULIN):c.485T>C (p.Ile162Thr)

Gene: OTULIN (OTU deubiquitinase with linear linkage specificity; plus strand). Cytogenetic location: 5p15.2.
Variant type: single nucleotide variant.
Coding change: c.485T>C on transcript NM_138348.6 (MANE Select); coding-DNA position 485, T replaced by C.
Protein change: p.Ile162Thr; replaces isoleucine 162 with threonine.
Molecular consequence: missense variant.
Genome position (GRCh38, 1-based): chr5:14,687,537, T>C. VCF-style: chr5-14687537-T-C. GRCh37 (hg19) VCF-style: chr5-14687646-T-C.
Other names: short protein forms I162T.
Identifiers: ClinVar variation 2010809 (VCV002010809.4), dbSNP rs2478212167, ClinGen allele CA359243166.